The following is an entry in ClinVar:

ClinVar aggregate classification (germline): Likely benign. Review status: criteria provided, multiple submitters, no conflicts (2 of 4 stars). 3 submissions from 3 submitters: Likely benign (3). Last evaluated 2025-05-19.

Conditions:
Tuberous sclerosis 2 (TSC2). Identifiers: Orphanet 805, MedGen C1860707, MONDO:0013199, OMIM 613254.

Allele frequency attached by ClinVar (database versions not stated): gnomAD exomes below 0.00001.
gnomAD v4.1: 1 of 1,596,386 alleles (0.000063%); no homozygotes.

Submissions (3):

Myriad Genetics, Inc.
Classification: Likely benign for Tuberous sclerosis 2. Last evaluated: 2025-05-19. Review status: criteria provided, single submitter. Criteria: Myriad Autosomal Dominant, Autosomal Recessive and X-Linked Classification Criteria (2023). Collection method: clinical testing. Allele origin: unknown.
Comment: This variant is considered likely benign. This variant is intronic and is not expected to impact mRNA splicing.

Labcorp Genetics (formerly Invitae), Labcorp
Classification: Likely benign for Tuberous sclerosis 2. Last evaluated: 2022-04-02. Review status: criteria provided, single submitter. Criteria: Invitae Variant Classification Sherloc (09022015). Collection method: clinical testing. Allele origin: germline.

Blueprint Genetics
Classification: Likely benign. Last evaluated: 2019-10-14. Review status: criteria provided, single submitter. Criteria: ACMG Guidelines, 2015. Collection method: clinical testing. Allele origin: germline.

NM_000548.5(TSC2):c.2220+7T>C

Gene: TSC2 (TSC complex subunit 2; plus strand). Cytogenetic location: 16p13.3.
Variant type: single nucleotide variant.
Coding change: c.2220+7T>C on transcript NM_000548.5 (MANE Select); 7 bases into the intron after coding-DNA position 2220, T replaced by C.
Molecular consequence: intron variant.
Genome position (GRCh38, 1-based): chr16:2,072,370, T>C. VCF-style: chr16-2072370-T-C. GRCh37 (hg19) VCF-style: chr16-2122371-T-C.
Other names: c.2220+7T>C (NM_001114382.3, NM_021055.3, NM_001370405.1 and 3 more transcripts); c.2109+7T>C (NM_001318827.2); c.1620+7T>C (NM_001318831.2); c.2073+7T>C (NM_001318829.2); c.2253+7T>C (NM_001318832.2).
Identifiers: ClinVar variation 756835 (VCV000756835.10), dbSNP rs1431356866, ClinGen allele CA620375127.
Genomic context (GRCh38, chr16:2,072,370, plus strand): 5'-ATCTTTACTTCCCCTTGCAGTGTGGACCAGCTGTGCTCTGCTCTCTGCTCCATGGTACCA[T>C]GGCCGGCCTGGGGTTGGGGTGGGGGACCCAGTAGGGTTTTTCCCCAAAAGACTGCGAGCC-3'